The following is an entry in ClinVar:

ClinVar aggregate classification (germline): Uncertain significance (1 of 4 stars; one submission).

Conditions:
Hereditary spastic paraplegia 53. Also called: Spastic paraplegia 53, autosomal recessive. Identifiers: Orphanet 319199, MedGen C3539494, MONDO:0013962, OMIM 614898.

Allele frequency attached by ClinVar (database versions not stated): gnomAD exomes below 0.00001 and 0.00001; TOPMed below 0.00001.
gnomAD v4.1: 11 of 1,610,798 alleles (0.00068%); highest among the groups gnomAD compares: Admixed American, 0.017%; no homozygotes.

Submission:

Labcorp Genetics (formerly Invitae), Labcorp
Classification: Uncertain significance for Hereditary spastic paraplegia 53. Last evaluated: 2025-10-10. Review status: criteria provided, single submitter. Criteria: Invitae Variant Classification Sherloc (09022015). Collection method: clinical testing. Allele origin: germline.
Comment: This sequence change replaces aspartic acid, which is acidic and polar, with asparagine, which is neutral and polar, at codon 121 of the VPS37A protein (p.Asp121Asn). The frequency data for this variant in the population databases is considered unreliable, as metrics indicate poor data quality at this position in the gnomAD database. This variant has not been reported in the literature in individuals affected with VPS37A-related conditions. ClinVar contains an entry for this variant (Variation ID: 658146). Invitae Evidence Modeling of protein sequence and biophysical properties (such as structural, functional, and spatial information, amino acid conservation, physicochemical variation, residue mobility, and thermodynamic stability) indicates that this missense variant is not expected to disrupt VPS37A protein function with a negative predictive value of 80%. In summary, the available evidence is currently insufficient to determine the role of this variant in disease. Therefore, it has been classified as a Variant of Uncertain Significance.

NM_152415.3(VPS37A):c.361G>A (p.Asp121Asn)

Gene: VPS37A (VPS37A subunit of ESCRT-I; plus strand). Cytogenetic location: 8p22.
Variant type: single nucleotide variant.
Coding change: c.361G>A on transcript NM_152415.3 (MANE Select); coding-DNA position 361, G replaced by A.
Protein change: p.Asp121Asn; replaces aspartic acid 121 with asparagine.
Molecular consequence: missense variant.
Genome position (GRCh38, 1-based): chr8:17,268,901, G>A. VCF-style: chr8-17268901-G-A. GRCh37 (hg19) VCF-style: chr8-17126410-G-A.
Other names: c.286G>A, p.Asp96Asn (NM_001145152.2); c.361G>A, p.Asp121Asn (NM_001363167.1, NM_001363173.2); c.91G>A, p.Asp31Asn (NM_001363168.1, NM_001363169.1, NM_001363170.1 and 2 more transcripts); short protein forms D31N, D121N, D96N.
Identifiers: ClinVar variation 658146 (VCV000658146.5), dbSNP rs1020184933, ClinGen allele CA172959527.